The following is an entry in ClinVar:

NM_000264.5(PTCH1):c.1945A>G (p.Ser649Gly)

Genes: PTCH1 (patched 1; minus strand), LOC100507346 (uncharacterized LOC100507346; plus strand). Cytogenetic location: 9q22.32.
Variant type: single nucleotide variant.
Coding change: c.1945A>G on transcript NM_000264.5 (MANE Select); coding-DNA position 1945, A replaced by G.
Protein change: p.Ser649Gly; replaces serine 649 with glycine.
Molecular consequence: missense variant. On other transcripts: non-coding transcript variant (2).
Genome position (GRCh38, 1-based): chr9:95,469,056, T>C on the plus strand (A>G on the coding strand, the complement: PTCH1 is on the minus strand). VCF-style: chr9-95469056-T-C. GRCh37 (hg19) VCF-style: chr9-98231338-T-C.
Other names: c.1747A>G, p.Ser583Gly (NM_001083602.3); c.1942A>G, p.Ser648Gly (NM_001083603.3); c.1492A>G, p.Ser498Gly (NM_001083604.3, NM_001083605.3, NM_001083606.3 and 1 more transcripts); c.1789A>G, p.Ser597Gly (NM_001354918.2); short protein forms S583G, S649G, S498G, S597G, S648G.
Identifiers: ClinVar variation 486180 (VCV000486180.17), dbSNP rs375049109, ClinGen allele CA5138478.

ClinVar aggregate classification (germline): Conflicting classifications of pathogenicity. Review status: criteria provided, conflicting classifications (1 of 4 stars). 3 submissions from 3 submitters: Uncertain significance (1); Benign (1); Likely benign (1). Last evaluated 2025-11-26.

Conditions:
Hereditary cancer-predisposing syndrome. Also called: Tumor predisposition; Neoplastic Syndromes, Hereditary; Hereditary Cancer Syndrome; Hereditary neoplastic syndrome. Identifiers: Orphanet 140162, MedGen C0027672, MeSH D009386, MONDO:0015356.
Gorlin syndrome. Also called: Basal cell nevus syndrome; Nevoid Basal Cell Carcinoma Syndrome. Identifiers: Orphanet 377, MedGen C0004779, MONDO:0007187.

Allele frequency attached by ClinVar (database versions not stated): ExAC 0.00001; gnomAD 0.00001; gnomAD exomes 0.00001 and 0.00004; TOPMed 0.00002; ESP Exome Variant Server 0.00008.
gnomAD v4.1: 64 of 1,613,816 alleles (0.004%); highest among the groups gnomAD compares: Non-Finnish European, 0.0054%; no homozygotes.

Submissions (3):

Labcorp Genetics (formerly Invitae), Labcorp
Classification: Likely benign for Gorlin syndrome. Last evaluated: 2025-11-26. Review status: criteria provided, single submitter. Criteria: Invitae Variant Classification Sherloc (09022015). Collection method: clinical testing. Allele origin: germline.

Ambry Genetics
Classification: Benign for Hereditary cancer-predisposing syndrome. Last evaluated: 2025-08-21. Review status: criteria provided, single submitter. Criteria: Ambry Variant Classification Scheme 2023. Collection method: clinical testing. Allele origin: germline.

GeneDx
Classification: Uncertain significance. Last evaluated: 2024-05-31. Review status: criteria provided, single submitter. Criteria: GeneDx Variant Classification Process June 2021. Collection method: clinical testing. Allele origin: germline. Affected: yes.
Comment: Not observed at significant frequency in large population cohorts (gnomAD); In silico analysis indicates that this missense variant does not alter protein structure/function; Has not been previously published as pathogenic or benign to our knowledge; This variant is associated with the following publications: (PMID: 11331587)